The following is an entry in ClinVar:

NM_001127222.2(CACNA1A):c.4639A>G (p.Met1547Val)

Gene: CACNA1A (calcium voltage-gated channel subunit alpha1 A; minus strand). Cytogenetic location: 19p13.13.
Variant type: single nucleotide variant.
Coding change: c.4639A>G on transcript NM_001127222.2 (MANE Select); coding-DNA position 4639, A replaced by G.
Protein change: p.Met1547Val; replaces methionine 1547 with valine.
Molecular consequence: missense variant.
Genome position (GRCh38, 1-based): chr19:13,255,211, T>C on the plus strand (A>G on the coding strand, the complement: CACNA1A is on the minus strand). VCF-style: chr19-13255211-T-C. GRCh37 (hg19) VCF-style: chr19-13366025-T-C.
Other names: c.4651A>G, p.Met1551Val (NM_000068.4, NM_023035.3); c.4642A>G, p.Met1548Val (NM_001127221.2, NM_001174080.2); short protein forms M1551V, M1547V, M1548V.
Identifiers: ClinVar variation 1907387 (VCV001907387.5), dbSNP rs2056513697, ClinGen allele CA404338587.
Genomic context (GRCh38, chr19:13,255,211, plus strand): 5'-AAGGCGGAGACACCACGAACTGCCACATGCGGTACTGGAAGCTCTGCTTGTTCTGCGGCA[T>C]GTGTCGGGTCAGCGGCTTGGCGCTGATGGCGAAATCAATGCAGGCCCTCTGCGGGAGAGA-3'
Protein context (NP_001120694.1, residues 1537-1557): AISAKPLTRH[Met1547Val]PQNKQSFQYR

ClinVar aggregate classification (germline): Uncertain significance (1 of 4 stars; one submission).

Conditions:
Episodic ataxia type 2 (EA2). Also called: ATAXIA, EPISODIC, WITH NYSTAGMUS; ATAXIA, FAMILIAL PAROXYSMAL; CEREBELLAR ATAXIA, PAROXYSMAL, ACETAZOLAMIDE-RESPONSIVE; CEREBELLOPATHY, HEREDITARY PAROXYSMAL; EPISODIC ATAXIA, NYSTAGMUS-ASSOCIATED; ACETAZOLAMIDE-RESPONSIVE HEREDITARY PAROXYSMAL CEREBELLAR ATAXIA. Identifiers: Orphanet 97, MedGen C1720416, MONDO:0007163, OMIM 108500.
Developmental and epileptic encephalopathy, 42 (DEE42A). Also called: DEVELOPMENTAL AND EPILEPTIC ENCEPHALOPATHY 42A; EPILEPTIC ENCEPHALOPATHY, EARLY INFANTILE, 42A; Epileptic encephalopathy, early infantile, 42. Identifiers: MedGen C4310716, MONDO:0014917, OMIM 617106.

Allele frequency attached by ClinVar (database versions not stated): TOPMed below 0.00001.

Submission:

Labcorp Genetics (formerly Invitae), Labcorp
Classification: Uncertain significance for Developmental and epileptic encephalopathy, 42; Episodic ataxia type 2. Last evaluated: 2022-07-23. Review status: criteria provided, single submitter. Criteria: Invitae Variant Classification Sherloc (09022015). Collection method: clinical testing. Allele origin: germline.
Comment: In summary, the available evidence is currently insufficient to determine the role of this variant in disease. Therefore, it has been classified as a Variant of Uncertain Significance. Advanced modeling of protein sequence and biophysical properties (such as structural, functional, and spatial information, amino acid conservation, physicochemical variation, residue mobility, and thermodynamic stability) performed at Invitae indicates that this missense variant is expected to disrupt CACNA1A protein function. This variant has not been reported in the literature in individuals affected with CACNA1A-related conditions. This variant is not present in population databases (gnomAD no frequency). This sequence change replaces methionine, which is neutral and non-polar, with valine, which is neutral and non-polar, at codon 1548 of the CACNA1A protein (p.Met1548Val).